The following is an entry in ClinVar:

NM_001127222.2(CACNA1A):c.3531C>G (p.Pro1177=)

Gene: CACNA1A (calcium voltage-gated channel subunit alpha1 A; minus strand). Cytogenetic location: 19p13.13.
Variant type: single nucleotide variant.
Coding change: c.3531C>G on transcript NM_001127222.2 (MANE Select); coding-DNA position 3531, C replaced by G.
Protein change: p.Pro1177=; no amino-acid change (proline 1177 retained).
Molecular consequence: synonymous variant.
Genome position (GRCh38, 1-based): chr19:13,286,525, G>C on the plus strand (C>G on the coding strand, the complement: CACNA1A is on the minus strand). VCF-style: chr19-13286525-G-C. GRCh37 (hg19) VCF-style: chr19-13397339-G-C.
Other names: p.Pro1178=; c.3531C>G (NM_001127222.1); c.3543C>G, p.Pro1181= (NM_000068.4, NM_023035.3); c.3534C>G, p.Pro1178= (NM_001127221.2, NM_001174080.2).
Identifiers: ClinVar variation 387224 (VCV000387224.29), dbSNP rs184723350, ClinGen allele CA9240295.

ClinVar aggregate classification (germline): Conflicting classifications of pathogenicity. Review status: criteria provided, conflicting classifications (1 of 4 stars). 9 submissions from 9 submitters: Uncertain significance (1); Benign (4); Likely benign (3). 1 of the submissions does not count toward it. Last evaluated 2025-12-09.

Conditions:
CACNA1A-related disorder. Also called: CACNA1A-related condition.
Inborn genetic diseases. Identifiers: MedGen C0950123, MeSH D030342.
Episodic ataxia type 2 (EA2). Also called: ATAXIA, EPISODIC, WITH NYSTAGMUS; ATAXIA, FAMILIAL PAROXYSMAL; CEREBELLAR ATAXIA, PAROXYSMAL, ACETAZOLAMIDE-RESPONSIVE; CEREBELLOPATHY, HEREDITARY PAROXYSMAL; ACETAZOLAMIDE-RESPONSIVE HEREDITARY PAROXYSMAL CEREBELLAR ATAXIA; EPISODIC ATAXIA, NYSTAGMUS-ASSOCIATED. Identifiers: Orphanet 97, MedGen C1720416, MONDO:0007163, OMIM 108500.
Developmental and epileptic encephalopathy, 42 (DEE42A). Also called: DEVELOPMENTAL AND EPILEPTIC ENCEPHALOPATHY 42A; EPILEPTIC ENCEPHALOPATHY, EARLY INFANTILE, 42A; Epileptic encephalopathy, early infantile, 42. Identifiers: MedGen C4310716, MONDO:0014917, OMIM 617106.

Allele frequency attached by ClinVar (database versions not stated): TOPMed 0.00022; 1000 Genomes Project 0.00080; 1000 Genomes Project 30x 0.00125.
gnomAD v4.1: 156 of 1,492,088 alleles (0.01%); highest among the groups gnomAD compares: African/African-American, 0.1%; no homozygotes.

Submissions (9):

Labcorp Genetics (formerly Invitae), Labcorp
Classification: Benign for Developmental and epileptic encephalopathy, 42; Episodic ataxia type 2. Last evaluated: 2025-12-09. Review status: criteria provided, single submitter. Criteria: Invitae Variant Classification Sherloc (09022015). Collection method: clinical testing. Allele origin: germline.

Women's Health and Genetics/Laboratory Corporation of America, LabCorp
Classification: Likely benign. Last evaluated: 2025-01-27. Review status: criteria provided, single submitter. Criteria: LabCorp Variant Classification Summary - May 2015. Collection method: clinical testing. Allele origin: germline.

Mayo Clinic Laboratories, Mayo Clinic
Classification: Benign. Last evaluated: 2024-10-18. Review status: criteria provided, single submitter. Criteria: ACMG Guidelines, 2015. Collection method: clinical testing. Allele origin: germline. Observed: 1 variant allele.
Comment: BS1, BS2, BP4, BP7

Blueprint Genetics
Classification: Likely benign. Last evaluated: 2024-08-12. Review status: criteria provided, single submitter. Criteria: ACMG Guidelines, 2015. Collection method: clinical testing. Allele origin: germline.

GeneDx
Classification: Benign. Last evaluated: 2019-07-08. Review status: criteria provided, single submitter. Criteria: GeneDx Variant Classification Process June 2021. Collection method: clinical testing. Allele origin: germline. Affected: yes.

Athena Diagnostics
Classification: Benign. Last evaluated: 2018-12-26. Review status: criteria provided, single submitter. Criteria: Athena Diagnostics Criteria. Collection method: clinical testing. Allele origin: germline.

Ambry Genetics
Classification: Likely benign for Inborn genetic diseases. Last evaluated: 2018-07-10. Review status: criteria provided, single submitter. Criteria: Ambry Variant Classification Scheme 2023. Collection method: clinical testing. Allele origin: germline.

Eurofins Ntd Llc (ga)
Classification: Uncertain significance. Last evaluated: 2017-07-14. Review status: criteria provided, single submitter. Criteria: EGL Classification Definitions 2015. Collection method: clinical testing. Allele origin: germline. Observed: 1 variant allele, 1 heterozygote.

PreventionGenetics, part of Exact Sciences
Classification: Likely benign for CACNA1A-related condition. Last evaluated: 2023-06-22. Review status: no assertion criteria provided. Collection method: clinical testing. Allele origin: germline. Not counted in ClinVar's aggregate classification.
Comment: This variant is classified as likely benign based on ACMG/AMP sequence variant interpretation guidelines (Richards et al. 2015 PMID: 25741868, with internal and published modifications).